The following is an entry in ClinVar:

ClinVar aggregate classification (germline): Uncertain significance (1 of 4 stars; one submission).

Conditions:
Multiple sulfatase deficiency (MSD). Also called: Mucosulfatidosis; Multiple Sulfatase Deficiency Disease; Sulfatidosis, Juvenile, Austin Type. Identifiers: Orphanet 585, MedGen C0268263, MONDO:0010088, OMIM 272200.

Allele frequency attached by ClinVar (database versions not stated): gnomAD exomes 0.00001 and 0.00002; ExAC 0.00002; TOPMed 0.00002; gnomAD 0.00003.

Submission:

Labcorp Genetics (formerly Invitae), Labcorp
Classification: Uncertain significance for Multiple sulfatase deficiency. Last evaluated: 2022-08-17. Review status: criteria provided, single submitter. Criteria: Invitae Variant Classification Sherloc (09022015). Collection method: clinical testing. Allele origin: germline.
Comment: This sequence change replaces methionine, which is neutral and non-polar, with valine, which is neutral and non-polar, at codon 101 of the SUMF1 protein (p.Met101Val). This variant is present in population databases (rs750960451, gnomAD 0.008%). This variant has not been reported in the literature in individuals affected with SUMF1-related conditions. ClinVar contains an entry for this variant (Variation ID: 1400764). Algorithms developed to predict the effect of missense changes on protein structure and function are either unavailable or do not agree on the potential impact of this missense change (SIFT: "Deleterious"; PolyPhen-2: "Benign"; Align-GVGD: "Class C0"). In summary, the available evidence is currently insufficient to determine the role of this variant in disease. Therefore, it has been classified as a Variant of Uncertain Significance.

NM_182760.4(SUMF1):c.301A>G (p.Met101Val)

Gene: SUMF1 (sulfatase modifying factor 1; minus strand). Cytogenetic location: 3p26.1.
Variant type: single nucleotide variant.
Coding change: c.301A>G on transcript NM_182760.4 (MANE Select); coding-DNA position 301, A replaced by G.
Protein change: p.Met101Val; replaces methionine 101 with valine.
Molecular consequence: missense variant.
Genome position (GRCh38, 1-based): chr3:4,453,019, T>C on the plus strand (A>G on the coding strand, the complement: SUMF1 is on the minus strand). VCF-style: chr3-4453019-T-C. GRCh37 (hg19) VCF-style: chr3-4494703-T-C.
Other names: c.301A>G, p.Met101Val (NM_001164674.2, NM_001164675.2); short protein forms M101V.
Identifiers: ClinVar variation 1400764 (VCV001400764.5), dbSNP rs750960451, ClinGen allele CA2230640.